The following is an entry in ClinVar:

NM_000540.3(RYR1):c.9650C>G (p.Ser3217Cys)

Gene: RYR1 (ryanodine receptor 1; plus strand). Cytogenetic location: 19q13.2.
Variant type: single nucleotide variant.
Coding change: c.9650C>G on transcript NM_000540.3 (MANE Select); coding-DNA position 9650, C replaced by G.
Protein change: p.Ser3217Cys; replaces serine 3217 with cysteine.
Molecular consequence: missense variant.
Genome position (GRCh38, 1-based): chr19:38,516,182, C>G. VCF-style: chr19-38516182-C-G. GRCh37 (hg19) VCF-style: chr19-39006822-C-G.
Other names: c.9650C>G, p.Ser3217Cys (NM_001042723.2); short protein forms S3217C.
Identifiers: ClinVar variation 2726773 (VCV002726773.6), dbSNP rs1283174775, ClinGen allele CA405690617.

ClinVar aggregate classification (germline): Conflicting classifications of pathogenicity. Review status: criteria provided, conflicting classifications (1 of 4 stars). 4 submissions from 4 submitters: Likely pathogenic (1); Uncertain significance (3). Last evaluated 2025-06-24.

Conditions:
Malignant hyperthermia, susceptibility to, 1 (MHS1). Also called: Anesthesia related hyperthermia; Malignant hyperpyrexia; Fulminating hyperpyrexia; Pharmacogenic myopathy; RYR1-Related Malignant Hyperthermia Susceptibility; Malignant hyperthermia suceptibility 1. Identifiers: Orphanet 423, MedGen C2930980, MONDO:0007783, OMIM 145600.
RYR1-related disorder. Also called: RYR1-related disorders; RYR1-related condition. Identifiers: MedGen CN239331.
Inborn genetic diseases. Identifiers: MedGen C0950123, MeSH D030342.

Submissions (4):

GeneDx
Classification: Likely pathogenic. Last evaluated: 2025-06-24. Review status: criteria provided, single submitter. Criteria: GeneDx Variant Classification Process June 2021. Collection method: clinical testing. Allele origin: germline. Affected: yes.
Comment: In silico analysis supports that this missense variant has a deleterious effect on protein structure/function; Not observed at significant frequency in large population cohorts (gnomAD); Has not been previously published as pathogenic or benign to our knowledge; This variant is associated with the following publications: (PMID: 12668474)

Ambry Genetics
Classification: Uncertain significance for Inborn genetic diseases. Last evaluated: 2025-06-07. Review status: criteria provided, single submitter. Criteria: Ambry Variant Classification Scheme 2023. Collection method: clinical testing. Allele origin: germline.

All of Us Research Program, National Institutes of Health
Classification: Uncertain significance for Malignant hyperthermia, susceptibility to, 1. Last evaluated: 2024-03-05. Review status: criteria provided, single submitter. Criteria: ACMG Guidelines, 2015. Collection method: clinical testing. Allele origin: germline. Inheritance: Autosomal dominant inheritance. Observed: 1 variant allele, 1 heterozygote.
Comment: This study involves interpretation of variants in research participants for the purpose of population health screening. Participant phenotype was not available at the time of variant classification. Additional details can be found in publication PMID: 35346344, PMCID: PMC8962531

Labcorp Genetics (formerly Invitae), Labcorp
Classification: Uncertain significance for RYR1-related disorder. Last evaluated: 2023-06-06. Review status: criteria provided, single submitter. Criteria: Invitae Variant Classification Sherloc (09022015). Collection method: clinical testing. Allele origin: germline.
Comment: This variant has not been reported in the literature in individuals affected with RYR1-related conditions. This variant is not present in population databases (gnomAD no frequency). This sequence change replaces serine, which is neutral and polar, with cysteine, which is neutral and slightly polar, at codon 3217 of the RYR1 protein (p.Ser3217Cys). In summary, the available evidence is currently insufficient to determine the role of this variant in disease. Therefore, it has been classified as a Variant of Uncertain Significance. Advanced modeling of protein sequence and biophysical properties (such as structural, functional, and spatial information, amino acid conservation, physicochemical variation, residue mobility, and thermodynamic stability) has been performed at Invitae for this missense variant, however the output from this modeling did not meet the statistical confidence thresholds required to predict the impact of this variant on RYR1 protein function.